The following is an entry in ClinVar:

ClinVar aggregate classification (germline): Uncertain significance (1 of 4 stars; one submission).

Conditions:
Cystic fibrosis (CF). Also called: MUCOVISCIDOSIS. Identifiers: Orphanet 586, MedGen C0010674, MONDO:0009061, OMIM 219700. Disease mechanism: loss of function.

Submission:

Ambry Genetics
Classification: Uncertain significance for Cystic fibrosis. Last evaluated: 2024-04-24. Review status: criteria provided, single submitter. Criteria: Ambry Variant Classification Scheme 2023. Collection method: clinical testing. Allele origin: germline.
Comment: The p.V944M variant (also known as c.2830G>A), located in coding exon 17 of the CFTR gene, results from a G to A substitution at nucleotide position 2830. The valine at codon 944 is replaced by methionine, an amino acid with highly similar properties. This amino acid position is conserved. In addition, the in silico prediction for this alteration is inconclusive. Based on the available evidence, the clinical significance of this variant remains unclear.

NM_000492.4(CFTR):c.2830G>A (p.Val944Met)

Gene: CFTR (CF transmembrane conductance regulator; plus strand). Cytogenetic location: 7q31.2.
Variant type: single nucleotide variant.
Coding change: c.2830G>A on transcript NM_000492.4 (MANE Select); coding-DNA position 2830, G replaced by A.
Protein change: p.Val944Met; replaces valine 944 with methionine.
Molecular consequence: missense variant.
Genome position (GRCh38, 1-based): chr7:117,603,704, G>A. VCF-style: chr7-117603704-G-A. GRCh37 (hg19) VCF-style: chr7-117243758-G-A.
Other names: short protein forms V944M.
Identifiers: ClinVar variation 3266656 (VCV003266656.1).